The following is an entry in ClinVar:

NM_001754.5(RUNX1):c.649G>A (p.Gly217Arg)

Gene: RUNX1 (RUNX family transcription factor 1; minus strand). Cytogenetic location: 21q22.12.
Variant type: single nucleotide variant.
Coding change: c.649G>A on transcript NM_001754.5 (MANE Select); coding-DNA position 649, G replaced by A.
Protein change: p.Gly217Arg; replaces glycine 217 with arginine.
Molecular consequence: missense variant.
Genome position (GRCh38, 1-based): chr21:34,834,566, C>T on the plus strand (G>A on the coding strand, the complement: RUNX1 is on the minus strand). VCF-style: chr21-34834566-C-T. GRCh37 (hg19) VCF-style: chr21-36206863-C-T.
Other names: NM_001754.4(RUNX1):c.649G>A; p.Gly217Arg; NM_001754.5(RUNX1):c.649G>A; c.568G>A, p.Gly190Arg (NM_001001890.3, NM_001122607.2); short protein forms G217R, G190R.
Identifiers: ClinVar variation 436614 (VCV000436614.24), dbSNP rs749004431, ClinGen allele CA10014385.

ClinVar aggregate classification (germline): Uncertain significance. Review status: reviewed by expert panel (3 of 4 stars). 7 submissions from 7 submitters: Uncertain significance (1). 6 of the submissions do not count toward it. Last evaluated 2025-05-02.

Conditions:
Inborn genetic diseases. Identifiers: MedGen C0950123, MeSH D030342.
Hereditary thrombocytopenia and hematologic cancer predisposition syndrome. Identifiers: Orphanet 71290, MedGen CN281654, MONDO:0011071.
Hereditary thrombocytopenia and hematological cancer predisposition syndrome associated with RUNX1. Also called: Familial thrombocytopenia with propensity to acute myelogenous leukemia; RUNX1 Familial Platelet Disorder with Associated Myeloid Malignancies; Familial Platelet Disorder with Propensity to Acute Myelogenous Leukemia; PLATELET DISORDER, ASPIRIN-LIKE. Identifiers: Orphanet 71290, MedGen C1832388, MeSH C563324, MONDO:0100083, OMIM 601399.
Acute myeloid leukemia (AML). Also called: Leukemia, acute myeloid, somatic; Leukemia, acute myelogenous, somatic; Acute myeloid leukemia, adult; AML adult; Acute non-lymphocytic leukemia; Acute granulocytic leukemia. Identifiers: Orphanet 519, MedGen C0023467, MeSH D015470, MONDO:0018874, OMIM 601626, HP:0004808. Disease mechanism: Constitutively activated FLT3.

Allele frequency attached by ClinVar (database versions not stated): ExAC 0.00002; TOPMed 0.00002; gnomAD exomes 0.00003; gnomAD 0.00006.

Submissions (7):

ClinGen Myeloid Malignancy Variant Curation Expert Panel
Classification: Uncertain significance for Hereditary thrombocytopenia and hematologic cancer predisposition syndrome. Last evaluated: 2025-05-02. Review status: reviewed by expert panel. Criteria: ClinGen MyeloMalig ACMG Specifications v2. Collection method: curation. Allele origin: germline. Inheritance: Autosomal dominant inheritance.
Comment: NM_001754.5(RUNX1):c.649G>A (p.Gly217Arg) is a missense variant which does not meet any ACMG/AMP criteria. In summary, the clinical significance of this variant is uncertain. ACMG/AMP criteria applied, as specified by the Myeloid Malignancy Variant Curation Expert Panel for RUNX1: None.

Ambry Genetics
Classification: Uncertain significance for Inborn genetic diseases. Last evaluated: 2026-07-14. Review status: criteria provided, single submitter. Criteria: Ambry Variant Classification Scheme 2023. Collection method: clinical testing. Allele origin: germline. Not counted in ClinVar's aggregate classification.
Comment: The p.G217R variant (also known as c.649G>A), located in coding exon 6 of the RUNX1 gene, results from a G to A substitution at nucleotide position 649. The glycine at codon 217 is replaced by arginine, an amino acid with dissimilar properties. This variant was reported in individuals with features consistent with RUNX1 familial platelet disorder with associated myeloid malignancies (Drazer MW et al. Blood Adv, 2018 Jan;2:146-150; Singhal D et al. Leukemia, 2021 Nov;35:3245-3256). This amino acid position is highly conserved in available vertebrate species. In addition, this alteration is predicted to be deleterious by in silico analysis. Based on the available evidence, the clinical significance of this variant remains unclear.

Labcorp Genetics (formerly Invitae), Labcorp
Classification: Uncertain significance for Hereditary thrombocytopenia and hematological cancer predisposition syndrome associated with RUNX1. Last evaluated: 2026-01-26. Review status: criteria provided, single submitter. Criteria: Invitae Variant Classification Sherloc (09022015). Collection method: clinical testing. Allele origin: germline. Not counted in ClinVar's aggregate classification.
Comment: This sequence change replaces glycine, which is neutral and non-polar, with arginine, which is basic and polar, at codon 217 of the RUNX1 protein (p.Gly217Arg). This variant is present in population databases (rs749004431, gnomAD 0.008%). This missense change has been observed in individual(s) with RUNX1-related conditions (PMID: 20880108, 29365323, 33850299). This variant is also known as Gly190Arg. ClinVar contains an entry for this variant (Variation ID: 436614). Invitae Evidence Modeling of protein sequence and biophysical properties (such as structural, functional, and spatial information, amino acid conservation, physicochemical variation, residue mobility, and thermodynamic stability) has been performed for this missense variant. However, the output from this modeling did not meet the statistical confidence thresholds required to predict the impact of this variant on RUNX1 protein function. In summary, the available evidence is currently insufficient to determine the role of this variant in disease. Therefore, it has been classified as a Variant of Uncertain Significance.

GeneDx
Classification: Uncertain significance. Last evaluated: 2024-01-31. Review status: criteria provided, single submitter. Criteria: GeneDx Variant Classification Process June 2021. Collection method: clinical testing. Allele origin: germline. Affected: yes. Not counted in ClinVar's aggregate classification.
Comment: In silico analysis supports that this missense variant has a deleterious effect on protein structure/function; Observed in individuals with various hematologic malignancies (PMID: 24098673, 29365323, 33850299); Published functional studies demonstrate association with a cellular growth advantage (PMID: 24098673); This variant is associated with the following publications: (PMID: 20880108, 24098673, 29365323, 33850299, Nitschke2023[article], 28277065)

Baylor Genetics
Classification: Uncertain significance for Acute myeloid leukemia. Last evaluated: 2023-10-26. Review status: criteria provided, single submitter. Criteria: ACMG Guidelines, 2015. Collection method: clinical testing. Allele origin: unknown. Not counted in ClinVar's aggregate classification.

Fulgent Genetics
Classification: Uncertain significance for Hereditary thrombocytopenia and hematological cancer predisposition syndrome associated with RUNX1; Acute myeloid leukemia. Last evaluated: 2018-10-31. Review status: criteria provided, single submitter. Criteria: ACMG Guidelines, 2015. Collection method: clinical testing. Allele origin: unknown. Not counted in ClinVar's aggregate classification.

Genetic Services Laboratory, University of Chicago
Classification: Uncertain significance. Last evaluated: 2017-02-16. Review status: criteria provided, single submitter. Criteria: ACMG Guidelines, 2015. Collection method: clinical testing. Allele origin: germline. Affected: no. Not counted in ClinVar's aggregate classification.

Literature cited by the submitters: PubMed 29365323 (cited by Ambry Genetics and Labcorp Genetics (formerly Invitae), Labcorp); PubMed 33850299 (cited by Ambry Genetics and Labcorp Genetics (formerly Invitae), Labcorp); PubMed 20880108 (cited by Labcorp Genetics (formerly Invitae), Labcorp).